The following is an entry in ClinVar:

ClinVar aggregate classification (germline): Uncertain significance (1 of 4 stars; one submission).

Conditions:
TBX18-related disorder. Also called: TBX18-related condition.

Submission:

PreventionGenetics, part of Exact Sciences
Classification: Uncertain significance for TBX18-related condition. Last evaluated: 2025-08-13. Review status: criteria provided, single submitter. Criteria: ACMG Guidelines, 2015. Collection method: clinical testing. Allele origin: germline.
Comment: The TBX18 c.896C>T variant is predicted to result in the amino acid substitution p.Pro299Leu. To our knowledge, this variant has not been reported in the literature or in a large population database (gnomAD), indicating this variant is rare. At this time, the clinical significance of this variant is uncertain due to the absence of conclusive functional and genetic evidence.

NM_001080508.3(TBX18):c.896C>T (p.Pro299Leu)

Gene: TBX18 (T-box transcription factor 18; minus strand). Cytogenetic location: 6q14.3.
Variant type: single nucleotide variant.
Coding change: c.896C>T on transcript NM_001080508.3 (MANE Select); coding-DNA position 896, C replaced by T.
Protein change: p.Pro299Leu; replaces proline 299 with leucine.
Molecular consequence: missense variant.
Genome position (GRCh38, 1-based): chr6:84,747,963, G>A on the plus strand (C>T on the coding strand, the complement: TBX18 is on the minus strand). VCF-style: chr6-84747963-G-A. GRCh37 (hg19) VCF-style: chr6-85457681-G-A.
Other names: short protein forms P299L.
Identifiers: ClinVar variation 4994174 (VCV004994174.1).
Genomic context (GRCh38, chr6:84,747,963, plus strand): 5'-AATTCTGAGAACAATACCTGCTGATTCTGATAGGCAGTGACGGTTGTGAAGACAGTTTCT[G>A]GAAAGGAGAATGCCTTTACTCCCTCCCCGGATGGAACAGGCTTGATGGGAGAAAGATCGT-3'
Protein context (NP_001073977.1, residues 289-309): SGEGVKAFSF[Pro299Leu]ETVFTTVTAY